The following is an entry in ClinVar:

ClinVar aggregate classification (germline): Conflicting classifications of pathogenicity. Review status: criteria provided, conflicting classifications (1 of 4 stars). 2 submissions from 2 submitters: Uncertain significance (1); Likely benign (1). Last evaluated 2025-09-15.

Conditions:
Hereditary cancer-predisposing syndrome. Also called: Hereditary neoplastic syndrome; Hereditary Cancer Syndrome; Neoplastic Syndromes, Hereditary; Tumor predisposition. Identifiers: Orphanet 140162, MedGen C0027672, MeSH D009386, MONDO:0015356.
Familial adenomatous polyposis 2. Also called: MYH-associated polyposis; COLORECTAL ADENOMATOUS POLYPOSIS, AUTOSOMAL RECESSIVE; ADENOMAS, MULTIPLE COLORECTAL, AUTOSOMAL RECESSIVE; MUTYH-related attenuated familial adenomatous polyposis; Adenomas, multiple colorectal; FAP type 2. Identifiers: Orphanet 220460, Orphanet 247798, MedGen C3272841, MONDO:0012041, OMIM 608456.

Submissions (2):

Ambry Genetics
Classification: Likely benign for Hereditary cancer-predisposing syndrome. Last evaluated: 2025-09-15. Review status: criteria provided, single submitter. Criteria: Ambry Variant Classification Scheme 2023. Collection method: clinical testing. Allele origin: germline.

Labcorp Genetics (formerly Invitae), Labcorp
Classification: Uncertain significance for Familial adenomatous polyposis 2. Last evaluated: 2022-10-04. Review status: criteria provided, single submitter. Criteria: Invitae Variant Classification Sherloc (09022015). Collection method: clinical testing. Allele origin: germline.
Comment: This sequence change replaces glutamic acid, which is acidic and polar, with alanine, which is neutral and non-polar, at codon 169 of the MUTYH protein (p.Glu169Ala). This variant is not present in population databases (gnomAD no frequency). In summary, the available evidence is currently insufficient to determine the role of this variant in disease. Therefore, it has been classified as a Variant of Uncertain Significance. Algorithms developed to predict the effect of missense changes on protein structure and function (SIFT, PolyPhen-2, Align-GVGD) all suggest that this variant is likely to be disruptive. This variant has not been reported in the literature in individuals affected with MUTYH-related conditions. ClinVar contains an entry for this variant (Variation ID: 486920).

Literature cited by the submitters: PubMed 40738107 (cited by Ambry Genetics).

NM_001048174.2(MUTYH):c.422A>C (p.Glu141Ala)

Gene: MUTYH (mutY DNA glycosylase; minus strand). Cytogenetic location: 1p34.1.
Variant type: single nucleotide variant.
Coding change: c.422A>C on transcript NM_001048174.2 (MANE Select); coding-DNA position 422, A replaced by C.
Protein change: p.Glu141Ala; replaces glutamic acid 141 with alanine.
Molecular consequence: missense variant. On other transcripts: non-coding transcript variant (2).
Genome position (GRCh38, 1-based): chr1:45,332,833, T>G on the plus strand (A>C on the coding strand, the complement: MUTYH is on the minus strand). VCF-style: chr1-45332833-T-G. GRCh37 (hg19) VCF-style: chr1-45798505-T-G.
Other names: c.422A>C, p.Glu141Ala (NM_001048171.2, NM_001048173.2, NM_001293195.2); c.425A>C, p.Glu142Ala (NM_001048172.2); c.506A>C, p.Glu169Ala (NM_001128425.2); c.467A>C, p.Glu156Ala (NM_001293190.2); c.455A>C, p.Glu152Ala (NM_001293191.2); c.146A>C, p.Glu49Ala (NM_001293192.2, NM_001293196.2); c.77A>C, p.Glu26Ala (NM_001350650.2, NM_001350651.2); c.497A>C, p.Glu166Ala (NM_012222.3); short protein forms E169A, E152A, E26A, E156A, E141A, E142A, E166A, E49A.
Identifiers: ClinVar variation 486920 (VCV000486920.12), dbSNP rs1553129078, ClinGen allele CA340135865.